The following is an entry in ClinVar:

ClinVar aggregate classification (germline): Likely benign. Review status: criteria provided, multiple submitters, no conflicts (2 of 4 stars). 4 submissions from 4 submitters: Likely benign (3). 1 of the submissions does not count toward it. Last evaluated 2023-03-01.

Conditions:
MAP3K6-related disorder. Also called: MAP3K6-related condition.

Allele frequency attached by ClinVar (database versions not stated): 1000 Genomes Project 0.00200; 1000 Genomes Project 30x 0.00250; ESP Exome Variant Server 0.00285; TOPMed 0.00303; gnomAD 0.00326 and 0.00333; gnomAD exomes 0.00372; ExAC 0.00376.
gnomAD v4.1: 5,907 of 1,608,252 alleles (0.37%); highest among the groups gnomAD compares: Admixed American, 0.45%; 20 homozygotes.

Submissions (35):

CeGaT Center for Human Genetics Tuebingen
Classification: Likely benign. Last evaluated: 2023-03-01. Review status: criteria provided, single submitter. Criteria: CeGaT Center For Human Genetics Tuebingen Variant Classification Criteria Version 2. Collection method: clinical testing. Allele origin: germline. Affected: yes. Observed: 4 variant alleles.
Comment: MAP3K6: BS2

Labcorp Genetics (formerly Invitae), Labcorp
Classification: Likely benign. Last evaluated: 2019-12-31. Review status: criteria provided, single submitter. Criteria: Invitae Variant Classification Sherloc (09022015). Collection method: clinical testing. Allele origin: germline.

Breakthrough Genomics
Classification: Likely benign. Review status: criteria provided, single submitter. Criteria: ACMG Guidelines, 2015. Collection method: not provided. Allele origin: germline. Inheritance: Unknown mechanism. Affected: yes.

PreventionGenetics, part of Exact Sciences
Classification: Likely benign for MAP3K6-related condition. Last evaluated: 2020-05-19. Review status: no assertion criteria provided. Collection method: clinical testing. Allele origin: germline. Not counted in ClinVar's aggregate classification.
Comment: This variant is classified as likely benign based on ACMG/AMP sequence variant interpretation guidelines (Richards et al. 2015 PMID: 25741868, with internal and published modifications).

Dr. Peter K. Rogan Lab, Western University
No classification provided (evidence only). Condition: Malignant tumor of urinary bladder. Review status: no classification provided. Collection method: in vitro. Allele origin: not applicable. Functional consequence: skipped exon, retained intron. Not counted in ClinVar's aggregate classification.

Dr. Peter K. Rogan Lab, Western University
No classification provided (evidence only). Condition: Clear cell carcinoma of kidney. Review status: no classification provided. Collection method: in vitro. Allele origin: not applicable. Functional consequence: skipped exon, retained intron. Not counted in ClinVar's aggregate classification.

Dr. Peter K. Rogan Lab, Western University
No classification provided (evidence only). Condition: Lung cancer. Review status: no classification provided. Collection method: in vitro. Allele origin: not applicable. Functional consequence: skipped exon. Not counted in ClinVar's aggregate classification.

Dr. Peter K. Rogan Lab, Western University
No classification provided (evidence only). Condition: Lung cancer. Review status: no classification provided. Collection method: in vitro. Allele origin: not applicable. Functional consequence: skipped exon. Not counted in ClinVar's aggregate classification.

Dr. Peter K. Rogan Lab, Western University
No classification provided (evidence only). Condition: Lung cancer. Review status: no classification provided. Collection method: in vitro. Allele origin: not applicable. Functional consequence: skipped exon, retained intron. Not counted in ClinVar's aggregate classification.

Dr. Peter K. Rogan Lab, Western University
No classification provided (evidence only). Condition: Melanoma. Review status: no classification provided. Collection method: in vitro. Allele origin: not applicable. Functional consequence: skipped exon. Not counted in ClinVar's aggregate classification.

Dr. Peter K. Rogan Lab, Western University
No classification provided (evidence only). Condition: Familial cancer of breast. Review status: no classification provided. Collection method: in vitro. Allele origin: not applicable. Functional consequence: skipped exon. Not counted in ClinVar's aggregate classification.

Dr. Peter K. Rogan Lab, Western University
No classification provided (evidence only). Condition: Familial cancer of breast. Review status: no classification provided. Collection method: in vitro. Allele origin: not applicable. Functional consequence: skipped exon. Not counted in ClinVar's aggregate classification.

Dr. Peter K. Rogan Lab, Western University
No classification provided (evidence only). Condition: Thyroid cancer, nonmedullary, 1. Review status: no classification provided. Collection method: in vitro. Allele origin: not applicable. Functional consequence: skipped exon. Not counted in ClinVar's aggregate classification.

Dr. Peter K. Rogan Lab, Western University
No classification provided (evidence only). Condition: Thyroid cancer, nonmedullary, 1. Review status: no classification provided. Collection method: in vitro. Allele origin: not applicable. Functional consequence: skipped exon, retained intron. Not counted in ClinVar's aggregate classification.

Dr. Peter K. Rogan Lab, Western University
No classification provided (evidence only). Condition: Thyroid cancer, nonmedullary, 1. Review status: no classification provided. Collection method: in vitro. Allele origin: not applicable. Functional consequence: skipped exon. Not counted in ClinVar's aggregate classification.

Dr. Peter K. Rogan Lab, Western University
No classification provided (evidence only). Condition: Thyroid cancer, nonmedullary, 1. Review status: no classification provided. Collection method: in vitro. Allele origin: not applicable. Functional consequence: skipped exon. Not counted in ClinVar's aggregate classification.

Dr. Peter K. Rogan Lab, Western University
No classification provided (evidence only). Condition: Cervical cancer. Review status: no classification provided. Collection method: in vitro. Allele origin: not applicable. Functional consequence: skipped exon. Not counted in ClinVar's aggregate classification.

Dr. Peter K. Rogan Lab, Western University
No classification provided (evidence only). Condition: Cervical cancer. Review status: no classification provided. Collection method: in vitro. Allele origin: not applicable. Functional consequence: skipped exon, retained intron. Not counted in ClinVar's aggregate classification.

Dr. Peter K. Rogan Lab, Western University
No classification provided (evidence only). Condition: Cervical cancer. Review status: no classification provided. Collection method: in vitro. Allele origin: not applicable. Functional consequence: skipped exon. Not counted in ClinVar's aggregate classification.

Dr. Peter K. Rogan Lab, Western University
No classification provided (evidence only). Condition: Cervical cancer. Review status: no classification provided. Collection method: in vitro. Allele origin: not applicable. Functional consequence: skipped exon. Not counted in ClinVar's aggregate classification.

Dr. Peter K. Rogan Lab, Western University
No classification provided (evidence only). Condition: Cervical cancer. Review status: no classification provided. Collection method: in vitro. Allele origin: not applicable. Functional consequence: skipped exon. Not counted in ClinVar's aggregate classification.

Dr. Peter K. Rogan Lab, Western University
No classification provided (evidence only). Condition: Sarcoma. Review status: no classification provided. Collection method: in vitro. Allele origin: not applicable. Functional consequence: skipped exon, retained intron. Not counted in ClinVar's aggregate classification.

Dr. Peter K. Rogan Lab, Western University
No classification provided (evidence only). Condition: Hepatocellular carcinoma. Review status: no classification provided. Collection method: in vitro. Allele origin: not applicable. Functional consequence: skipped exon. Not counted in ClinVar's aggregate classification.

Dr. Peter K. Rogan Lab, Western University
No classification provided (evidence only). Condition: Cholangiocarcinoma. Review status: no classification provided. Collection method: in vitro. Allele origin: not applicable. Functional consequence: skipped exon. Not counted in ClinVar's aggregate classification.

Dr. Peter K. Rogan Lab, Western University
No classification provided (evidence only). Condition: Ovarian serous cystadenocarcinoma. Review status: no classification provided. Collection method: in vitro. Allele origin: not applicable. Functional consequence: retained intron. Not counted in ClinVar's aggregate classification.

Dr. Peter K. Rogan Lab, Western University
No classification provided (evidence only). Condition: Uveal melanoma. Review status: no classification provided. Collection method: in vitro. Allele origin: not applicable. Functional consequence: skipped exon. Not counted in ClinVar's aggregate classification.

Dr. Peter K. Rogan Lab, Western University
No classification provided (evidence only). Condition: Uveal melanoma. Review status: no classification provided. Collection method: in vitro. Allele origin: not applicable. Functional consequence: skipped exon. Not counted in ClinVar's aggregate classification.

Dr. Peter K. Rogan Lab, Western University
No classification provided (evidence only). Condition: Chronic lymphocytic leukemia/small lymphocytic lymphoma. Review status: no classification provided. Collection method: in vitro. Allele origin: not applicable. Functional consequence: skipped exon. Not counted in ClinVar's aggregate classification.

Dr. Peter K. Rogan Lab, Western University
No classification provided (evidence only). Condition: Nonpapillary renal cell carcinoma. Review status: no classification provided. Collection method: in vitro. Allele origin: not applicable. Functional consequence: skipped exon. Not counted in ClinVar's aggregate classification.

Dr. Peter K. Rogan Lab, Western University
No classification provided (evidence only). Condition: Nonpapillary renal cell carcinoma. Review status: no classification provided. Collection method: in vitro. Allele origin: not applicable. Functional consequence: skipped exon. Not counted in ClinVar's aggregate classification.

Dr. Peter K. Rogan Lab, Western University
No classification provided (evidence only). Condition: Lymphoma. Review status: no classification provided. Collection method: in vitro. Allele origin: not applicable. Functional consequence: skipped exon, retained intron. Not counted in ClinVar's aggregate classification.

Dr. Peter K. Rogan Lab, Western University
No classification provided (evidence only). Condition: Lymphoma. Review status: no classification provided. Collection method: in vitro. Allele origin: not applicable. Functional consequence: skipped exon. Not counted in ClinVar's aggregate classification.

Dr. Peter K. Rogan Lab, Western University
No classification provided (evidence only). Condition: Malignant tumor of urinary bladder. Review status: no classification provided. Collection method: in vitro. Allele origin: not applicable. Functional consequence: skipped exon. Not counted in ClinVar's aggregate classification.

Dr. Peter K. Rogan Lab, Western University
No classification provided (evidence only). Condition: Malignant tumor of urinary bladder. Review status: no classification provided. Collection method: in vitro. Allele origin: not applicable. Functional consequence: skipped exon, retained intron. Not counted in ClinVar's aggregate classification.

Dr. Peter K. Rogan Lab, Western University
No classification provided (evidence only). Condition: Malignant tumor of urinary bladder. Review status: no classification provided. Collection method: in vitro. Allele origin: not applicable. Functional consequence: skipped exon. Not counted in ClinVar's aggregate classification.

NM_004672.5(MAP3K6):c.1256-2A>G

Gene: MAP3K6 (mitogen-activated protein kinase kinase kinase 6; minus strand). Cytogenetic location: 1p36.11.
Variant type: single nucleotide variant.
Coding change: c.1256-2A>G on transcript NM_004672.5 (MANE Select); the canonical splice acceptor site of the intron before coding-DNA position 1256, A replaced by G.
Molecular consequence: splice acceptor variant.
Genome position (GRCh38, 1-based): chr1:27,362,252, T>C on the plus strand (A>G on the coding strand, the complement: MAP3K6 is on the minus strand). VCF-style: chr1-27362252-T-C. GRCh37 (hg19) VCF-style: chr1-27688743-T-C.
Other names: NC_000001.10:g.27688743T>C; c.1232-2A>G (NM_001297609.2).
Identifiers: ClinVar variation 718894 (VCV000718894.31), dbSNP rs55841735, ClinGen allele CA713815.